The following is an entry in ClinVar:

ClinVar aggregate classification (germline): Uncertain significance (1 of 4 stars; one submission).

Submission:

GeneDx
Classification: Uncertain significance. Last evaluated: 2023-01-20. Review status: criteria provided, single submitter. Criteria: GeneDx Variant Classification Process June 2021. Collection method: clinical testing. Allele origin: germline. Affected: yes.
Comment: Not observed at significant frequency in large population cohorts (gnomAD); In silico analysis supports that this missense variant has a deleterious effect on protein structure/function; Has not been previously published as pathogenic or benign to our knowledge

NM_001690.4(ATP6V1A):c.1075A>G (p.Arg359Gly)

Gene: ATP6V1A (ATPase H+ transporting V1 subunit A; plus strand). Cytogenetic location: 3q13.31.
Variant type: single nucleotide variant.
Coding change: c.1075A>G on transcript NM_001690.4 (MANE Select); coding-DNA position 1075, A replaced by G.
Protein change: p.Arg359Gly; replaces arginine 359 with glycine.
Molecular consequence: missense variant.
Genome position (GRCh38, 1-based): chr3:113,794,958, A>G. VCF-style: chr3-113794958-A-G. GRCh37 (hg19) VCF-style: chr3-113513805-A-G.
Other names: short protein forms R359G.
Identifiers: ClinVar variation 1307941 (VCV001307941.3), dbSNP rs2108038030, ClinGen allele CA354018056.